The following is an entry in ClinVar:

NM_001172509.2(SATB2):c.489del (p.Asp164fs)

Gene: SATB2 (SATB homeobox 2; minus strand). Cytogenetic location: 2q33.1.
Variant type: Deletion.
Coding change: c.489del on transcript NM_001172509.2 (MANE Select); coding-DNA position 489, one base deleted (A; older notation c.489delA).
Protein change: p.Asp164fs; shifts the reading frame from aspartic acid 164.
Molecular consequence: frameshift variant.
Genome position (GRCh38, 1-based): chr2:199,380,472, T deleted on the plus strand (A on the coding strand, the reverse complement: SATB2 is on the minus strand); the first of 2 consecutive T bases (chr2:199,380,472-199,380,473); deleting either gives the same sequence. VCF-style (leftmost placement, unchanged base first): chr2-199380471-CT-C. GRCh37 (hg19) VCF-style: chr2-200245194-CT-C.
Other names: c.489del, p.Asp164fs (NM_001172517.1, NM_015265.4); short protein forms D164fs.
Identifiers: ClinVar variation 3776125 (VCV003776125.1).
Genomic context (GRCh38, chr2:199,380,471, plus strand): 5'-TGAGCAGTTCCTTTAAGGCATTGCGGACTGTGGCATGGTTCCACTGCTCCGCAGGCAAGT[CT>C]TCCAACTTTGAACAACTGCAAAACAGAGCAATAATGAACAATACACAAACCTCAACCAGG-3'

ClinVar aggregate classification (germline): Likely pathogenic (1 of 4 stars; one submission).

Conditions:
Chromosome 2q32-q33 deletion syndrome (GLASS). Also called: Glass syndrome; 2q33.1 deletion syndrome. Identifiers: Orphanet 251019, MedGen C2676739, MONDO:0012864, OMIM 612313.

Submission:

3billion
Classification: Likely pathogenic for Chromosome 2q32-q33 deletion syndrome. Last evaluated: 2024-02-22. Review status: criteria provided, single submitter. Criteria: ACMG Guidelines, 2015. Collection method: clinical testing. Allele origin: germline. Affected: yes.
Comment: The variant is not observed in the gnomAD v2.1.1 dataset. Predicted Consequence/Location: Frameshift: predicted to result in a loss or disruption of normal protein function through nonsense-mediated decay (NMD) or protein truncation. Multiple pathogenic variants are reported downstream of the variant. Therefore, this variant is classified as Likely pathogenic according to the recommendation of ACMG/AMP guideline.